The following is an entry in ClinVar:

ClinVar aggregate classification (germline): Uncertain significance. Review status: criteria provided, multiple submitters, no conflicts (2 of 4 stars). 2 submissions from 2 submitters: Uncertain significance (2). Last evaluated 2024-10-01.

Allele frequency attached by ClinVar (database versions not stated): gnomAD exomes 0.00001; ExAC 0.00002; TOPMed 0.00002.
gnomAD v4.1: 13 of 1,613,546 alleles (0.00081%); highest among the groups gnomAD compares: Admixed American, 0.0083%; no homozygotes.

Submissions (2):

Ambry Genetics
Classification: Uncertain significance. Last evaluated: 2024-10-01. Review status: criteria provided, single submitter. Criteria: Ambry Variant Classification Scheme 2023. Collection method: clinical testing. Allele origin: germline.

Labcorp Genetics (formerly Invitae), Labcorp
Classification: Uncertain significance. Last evaluated: 2023-12-10. Review status: criteria provided, single submitter. Criteria: Invitae Variant Classification Sherloc (09022015). Collection method: clinical testing. Allele origin: germline.
Comment: This sequence change replaces proline, which is neutral and non-polar, with leucine, which is neutral and non-polar, at codon 4872 of the HMCN1 protein (p.Pro4872Leu). This variant is present in population databases (rs779441703, gnomAD 0.01%). This variant has not been reported in the literature in individuals affected with HMCN1-related conditions. An algorithm developed to predict the effect of missense changes on protein structure and function (PolyPhen-2) suggests that this variant is likely to be disruptive. In summary, the available evidence is currently insufficient to determine the role of this variant in disease. Therefore, it has been classified as a Variant of Uncertain Significance.

NM_031935.3(HMCN1):c.14615C>T (p.Pro4872Leu)

Gene: HMCN1 (hemicentin 1; plus strand). Cytogenetic location: 1q31.1.
Variant type: single nucleotide variant.
Coding change: c.14615C>T on transcript NM_031935.3 (MANE Select); coding-DNA position 14615, C replaced by T.
Protein change: p.Pro4872Leu; replaces proline 4872 with leucine.
Molecular consequence: missense variant.
Genome position (GRCh38, 1-based): chr1:186,151,206, C>T. VCF-style: chr1-186151206-C-T. GRCh37 (hg19) VCF-style: chr1-186120338-C-T.
Other names: c.14615C>T (NM_031935.2); short protein forms P4872L.
Identifiers: ClinVar variation 2720215 (VCV002720215.4), dbSNP rs779441703, ClinGen allele CA1295022.